The following is an entry in ClinVar:

ClinVar aggregate classification (germline): Likely pathogenic (1 of 4 stars; one submission).

Submission:

CeGaT Center for Human Genetics Tuebingen
Classification: Likely pathogenic. Last evaluated: 2026-03-01. Review status: criteria provided, single submitter. Criteria: CeGaT Center For Human Genetics Tuebingen Variant Classification Criteria Version 2. Collection method: clinical testing. Allele origin: germline. Affected: yes. Observed: 1 variant allele.
Comment: UBE3A: PVS1:Strong, PM2

NM_130839.5(UBE3A):c.2403_2404del (p.Phe802fs)

Genes: SNHG14 (small nucleolar RNA host gene 14; plus strand), UBE3A (ubiquitin protein ligase E3A; minus strand). Cytogenetic location: 15q11.2.
Variant type: Microsatellite.
Coding change: c.2403_2404del on transcript NM_130839.5 (MANE Select); coding-DNA positions 2403 to 2404, 2 bases deleted (CT; older notation c.2403_2404delCT).
Protein change: p.Phe802fs; shifts the reading frame from phenylalanine 802.
Molecular consequence: frameshift variant. On other transcripts: non-coding transcript variant (1).
Genome position (GRCh38, 1-based): chr15:25,340,179-25,340,180, AG deleted on the plus strand (CT on the coding strand, the reverse complement: UBE3A is on the minus strand); deleting any 2 consecutive bases within chr15:25,340,179-25,340,182 gives the same sequence; the c. name uses the placement nearest the transcript's 3' end. VCF-style (leftmost placement, unchanged base first): chr15-25340178-AAG-A. GRCh37 (hg19) VCF-style: chr15-25585325-AAG-A.
Other names: c.2412_2413del, p.Phe805fs (NM_000462.5); c.2403_2404del, p.Phe802fs (NM_001354505.1, NM_001354538.2); c.2343_2344del, p.Phe782fs (NM_001354506.2, NM_001354507.2, NM_001354508.2 and 14 more transcripts); c.2247_2248del, p.Phe750fs (NM_001354545.2); c.2226_2227del, p.Phe743fs (NM_001354546.2); c.2187_2188del, p.Phe730fs (NM_001354547.2, NM_001354548.2); c.2178_2179del, p.Phe727fs (NM_001354549.2); c.1152_1153del, p.Phe385fs (NM_001354550.2); and 1 more; short protein forms F365fs, F385fs, F727fs, F730fs, F743fs, F750fs, F782fs, F802fs.
Identifiers: ClinVar variation 4823694 (VCV004823694.4).
Genomic context (GRCh38, chr15:25,340,178, plus strand): 5'-ATCTTTAATTTTCCTAGTCCTCCCACAGGTGCTCTGTCTGTGCCCGTTGTAAACTGCAAG[AAG>A]AGTCTTTTCTGTTCATCTGTAAATGAATGAACGATTTCCCAGAACTCCCTAATGAGAAAA-3'